The following is an entry in ClinVar:

ClinVar aggregate classification (germline): Uncertain significance. Review status: criteria provided, multiple submitters, no conflicts (2 of 4 stars). 2 submissions from 2 submitters: Uncertain significance (2). Last evaluated 2023-04-19.

Conditions:
Succinate-semialdehyde dehydrogenase deficiency (SSADHD). Also called: GABA METABOLIC DEFECT; Succinic Semialdehyde Dehydrogenase Deficiency; 4-HYDROXYBUTYRIC ACIDURIA; SSADH DEFICIENCY. Identifiers: Orphanet 22, MedGen C0268631, MONDO:0010083, OMIM 271980.

Allele frequency attached by ClinVar (database versions not stated): ExAC 0.00002; gnomAD exomes 0.00002 and 0.00005; gnomAD 0.00004 and 0.00005; TOPMed 0.00007; ESP Exome Variant Server 0.00008.

Submissions (2):

Blueprint Genetics
Classification: Uncertain significance. Last evaluated: 2023-04-19. Review status: criteria provided, single submitter. Criteria: ACMG Guidelines, 2015. Collection method: clinical testing. Allele origin: germline.

Labcorp Genetics (formerly Invitae), Labcorp
Classification: Uncertain significance for Succinate-semialdehyde dehydrogenase deficiency. Last evaluated: 2022-08-15. Review status: criteria provided, single submitter. Criteria: Invitae Variant Classification Sherloc (09022015). Collection method: clinical testing. Allele origin: germline.
Comment: This sequence change replaces tyrosine, which is neutral and polar, with serine, which is neutral and polar, at codon 471 of the ALDH5A1 protein (p.Tyr471Ser). This variant is present in population databases (rs71555150, gnomAD 0.008%). This variant has not been reported in the literature in individuals affected with ALDH5A1-related conditions. ClinVar contains an entry for this variant (Variation ID: 574549). Advanced modeling of protein sequence and biophysical properties (such as structural, functional, and spatial information, amino acid conservation, physicochemical variation, residue mobility, and thermodynamic stability) performed at Invitae indicates that this missense variant is expected to disrupt ALDH5A1 protein function. In summary, the available evidence is currently insufficient to determine the role of this variant in disease. Therefore, it has been classified as a Variant of Uncertain Significance.

NM_001080.3(ALDH5A1):c.1412A>C (p.Tyr471Ser)

Gene: ALDH5A1 (aldehyde dehydrogenase 5 family member A1; plus strand). Cytogenetic location: 6p22.3.
Variant type: single nucleotide variant.
Coding change: c.1412A>C on transcript NM_001080.3 (MANE Select); coding-DNA position 1412, A replaced by C.
Protein change: p.Tyr471Ser; replaces tyrosine 471 with serine.
Molecular consequence: missense variant.
Genome position (GRCh38, 1-based): chr6:24,533,516, A>C. VCF-style: chr6-24533516-A-C. GRCh37 (hg19) VCF-style: chr6-24533744-A-C.
Other names: c.1268A>C, p.Tyr423Ser (NM_001368954.1); c.1451A>C, p.Tyr484Ser (NM_170740.1); short protein forms Y471S, Y484S, Y423S.
Identifiers: ClinVar variation 574549 (VCV000574549.8), dbSNP rs71555150, ClinGen allele CA3656949.